The following is an entry in ClinVar:

ClinVar aggregate classification (germline): Uncertain significance (1 of 4 stars; one submission).

Conditions:
Sulfite oxidase deficiency due to molybdenum cofactor deficiency type C. Also called: Molybdenum cofactor deficiency C; Molybdenum cofactor deficiency, complementation group C. Identifiers: Orphanet 308400, Orphanet 833, MedGen C1854990, MONDO:0014212, OMIM 615501.

Allele frequency attached by ClinVar (database versions not stated): gnomAD exomes below 0.00001; TOPMed below 0.00001; gnomAD 0.00001.
gnomAD v4.1: 3 of 1,612,784 alleles (0.00019%); highest among the groups gnomAD compares: African/African-American, 0.0027%; no homozygotes.

Submission:

Labcorp Genetics (formerly Invitae), Labcorp
Classification: Uncertain significance for Sulfite oxidase deficiency due to molybdenum cofactor deficiency type C. Last evaluated: 2021-10-07. Review status: criteria provided, single submitter. Criteria: Invitae Variant Classification Sherloc (09022015). Collection method: clinical testing. Allele origin: germline.
Comment: In summary, the available evidence is currently insufficient to determine the role of this variant in disease. Therefore, it has been classified as a Variant of Uncertain Significance. Algorithms developed to predict the effect of missense changes on protein structure and function are either unavailable or do not agree on the potential impact of this missense change (SIFT: "Tolerated"; PolyPhen-2: "Possibly Damaging"; Align-GVGD: "Class C0"). This variant has not been reported in the literature in individuals affected with GPHN-related conditions. This variant is not present in population databases (ExAC no frequency). This sequence change replaces isoleucine with valine at codon 579 of the GPHN protein (p.Ile579Val). The isoleucine residue is moderately conserved and there is a small physicochemical difference between isoleucine and valine.

NM_020806.5(GPHN):c.1735A>G (p.Ile579Val)

Gene: GPHN (gephyrin; plus strand). Cytogenetic location: 14q23.3.
Variant type: single nucleotide variant.
Coding change: c.1735A>G on transcript NM_020806.5 (MANE Select); coding-DNA position 1735, A replaced by G.
Protein change: p.Ile579Val; replaces isoleucine 579 with valine.
Molecular consequence: missense variant.
Genome position (GRCh38, 1-based): chr14:67,122,364, A>G. VCF-style: chr14-67122364-A-G. GRCh37 (hg19) VCF-style: chr14-67589081-A-G.
Other names: c.1636A>G, p.Ile546Val (NM_001024218.2); c.1795A>G, p.Ile599Val (NM_001377514.1); c.1765A>G, p.Ile589Val (NM_001377515.1); c.1756A>G, p.Ile586Val (NM_001377516.1); c.1708A>G, p.Ile570Val (NM_001377517.1); c.1693A>G, p.Ile565Val (NM_001377518.1); c.1675A>G, p.Ile559Val (NM_001377519.1); short protein forms I546V, I586V, I565V, I570V, I559V, I579V, I589V, I599V.
Identifiers: ClinVar variation 1482045 (VCV001482045.6), dbSNP rs1325847946, ClinGen allele CA390259353.